The following is an entry in ClinVar:

ClinVar aggregate classification (germline): Likely benign. Review status: criteria provided, multiple submitters, no conflicts (2 of 4 stars). 2 submissions from 2 submitters: Likely benign (2). Last evaluated 2024-02-17.

Conditions:
Meckel-Gruber syndrome. Also called: DYSENCEPHALIA SPLANCHNOCYSTICA; GRUBER SYNDROME; Dysencephalia splachnocystica. Identifiers: Orphanet 564, MedGen C0265215, MONDO:0018921.
Joubert syndrome. Also called: CEREBELLOPARENCHYMAL DISORDER IV; JOUBERT-BOLTSHAUSER SYNDROME; Familial aplasia of the vermis. Identifiers: Orphanet 475, MedGen C5979921, MONDO:0018772.

Allele frequency attached by ClinVar (database versions not stated): gnomAD exomes below 0.00001.
gnomAD v4.1: 2 of 1,614,022 alleles (0.00012%); highest among the groups gnomAD compares: Middle Eastern, 0.033%; no homozygotes.

Submissions (2):

Labcorp Genetics (formerly Invitae), Labcorp
Classification: Likely benign for Joubert syndrome; Meckel-Gruber syndrome. Last evaluated: 2024-02-17. Review status: criteria provided, single submitter. Criteria: Invitae Variant Classification Sherloc (09022015). Collection method: clinical testing. Allele origin: germline.

GeneDx
Classification: Likely benign. Last evaluated: 2018-02-09. Review status: criteria provided, single submitter. Criteria: GeneDx Variant Classification (06012015). Collection method: clinical testing. Allele origin: germline. Affected: yes.
Comment: This variant is considered likely benign or benign based on one or more of the following criteria: it is a conservative change, it occurs at a poorly conserved position in the protein, it is predicted to be benign by multiple in silico algorithms, and/or has population frequency not consistent with disease.

NM_015272.5(RPGRIP1L):c.3897C>G (p.Leu1299=)

Gene: RPGRIP1L (RPGRIP1 like; minus strand). Cytogenetic location: 16q12.2.
Variant type: single nucleotide variant.
Coding change: c.3897C>G on transcript NM_015272.5 (MANE Select); coding-DNA position 3897, C replaced by G.
Protein change: p.Leu1299=; no amino-acid change (leucine 1299 retained).
Molecular consequence: synonymous variant.
Genome position (GRCh38, 1-based): chr16:53,602,127, G>C on the plus strand (C>G on the coding strand, the complement: RPGRIP1L is on the minus strand). VCF-style: chr16-53602127-G-C. GRCh37 (hg19) VCF-style: chr16-53636039-G-C.
Other names: c.3657C>G, p.Leu1219= (NM_001127897.4); c.3759C>G, p.Leu1253= (NM_001308334.3); c.3795C>G, p.Leu1265= (NM_001330538.2).
Identifiers: ClinVar variation 515296 (VCV000515296.10), dbSNP rs915393428, ClinGen allele CA281347975.